The following is an entry in ClinVar:

ClinVar aggregate classification (germline): Conflicting classifications of pathogenicity. Review status: criteria provided, conflicting classifications (1 of 4 stars). 2 submissions from 2 submitters: Uncertain significance (1); Likely benign (1). Last evaluated 2025-09-12.

Conditions:
DICER1-related tumor predisposition. Also called: DICER1 syndrome; DICER1-related pleuropulmonary blastoma cancer predisposition syndrome. Identifiers: Orphanet 284343, MedGen C3839822, MONDO:0100216.
Hereditary cancer-predisposing syndrome. Also called: Neoplastic Syndromes, Hereditary; Hereditary neoplastic syndrome; Hereditary Cancer Syndrome; Tumor predisposition. Identifiers: Orphanet 140162, MedGen C0027672, MeSH D009386, MONDO:0015356.

Submissions (2):

Ambry Genetics
Classification: Likely benign for Hereditary cancer-predisposing syndrome. Last evaluated: 2025-09-12. Review status: criteria provided, single submitter. Criteria: Ambry Variant Classification Scheme 2023. Collection method: clinical testing. Allele origin: germline.

Labcorp Genetics (formerly Invitae), Labcorp
Classification: Uncertain significance for DICER1-related tumor predisposition. Last evaluated: 2024-03-29. Review status: criteria provided, single submitter. Criteria: Invitae Variant Classification Sherloc (09022015). Collection method: clinical testing. Allele origin: germline.
Comment: This sequence change replaces threonine, which is neutral and polar, with alanine, which is neutral and non-polar, at codon 261 of the DICER1 protein (p.Thr261Ala). This variant is not present in population databases (gnomAD no frequency). This variant has not been reported in the literature in individuals affected with DICER1-related conditions. ClinVar contains an entry for this variant (Variation ID: 658726). Advanced modeling of protein sequence and biophysical properties (such as structural, functional, and spatial information, amino acid conservation, physicochemical variation, residue mobility, and thermodynamic stability) performed at Invitae indicates that this missense variant is not expected to disrupt DICER1 protein function with a negative predictive value of 80%. In summary, the available evidence is currently insufficient to determine the role of this variant in disease. Therefore, it has been classified as a Variant of Uncertain Significance.

NM_177438.3(DICER1):c.781A>G (p.Thr261Ala)

Gene: DICER1 (dicer 1, ribonuclease III; minus strand). Cytogenetic location: 14q32.13.
Variant type: single nucleotide variant.
Coding change: c.781A>G on transcript NM_177438.3 (MANE Select); coding-DNA position 781, A replaced by G.
Protein change: p.Thr261Ala; replaces threonine 261 with alanine.
Molecular consequence: missense variant.
Genome position (GRCh38, 1-based): chr14:95,126,702, T>C on the plus strand (A>G on the coding strand, the complement: DICER1 is on the minus strand). VCF-style: chr14-95126702-T-C. GRCh37 (hg19) VCF-style: chr14-95593039-T-C.
Other names: c.781A>G, p.Thr261Ala (NM_001195573.1, NM_001271282.3, NM_001291628.2 and 1 more transcripts); short protein forms T261A.
Identifiers: ClinVar variation 658726 (VCV000658726.16), dbSNP rs1595448161, ClinGen allele CA390887801.